The following is an entry in ClinVar:

NM_015338.6(ASXL1):c.4417C>G (p.Gln1473Glu)

Gene: ASXL1 (ASXL transcriptional regulator 1; plus strand). Cytogenetic location: 20q11.21.
Variant type: single nucleotide variant.
Coding change: c.4417C>G on transcript NM_015338.6 (MANE Select); coding-DNA position 4417, C replaced by G.
Protein change: p.Gln1473Glu; replaces glutamine 1473 with glutamic acid.
Molecular consequence: missense variant.
Genome position (GRCh38, 1-based): chr20:32,437,129, C>G. VCF-style: chr20-32437129-C-G. GRCh37 (hg19) VCF-style: chr20-31024932-C-G.
Other names: c.4234C>G, p.Gln1412Glu (NM_001363734.1); short protein forms Q1412E, Q1473E.
Identifiers: ClinVar variation 4588992 (VCV004588992.1).

ClinVar aggregate classification (germline): Uncertain significance (1 of 4 stars; one submission).

Conditions:
Inborn genetic diseases. Identifiers: MedGen C0950123, MeSH D030342.

Submission:

Ambry Genetics
Classification: Uncertain significance for Inborn genetic diseases. Last evaluated: 2025-12-07. Review status: criteria provided, single submitter. Criteria: Ambry Variant Classification Scheme 2023. Collection method: clinical testing. Allele origin: germline.
Comment: The p.Q1473E variant (also known as c.4417C>G), located in coding exon 13 of the ASXL1 gene, results from a C to G substitution at nucleotide position 4417. The glutamine at codon 1473 is replaced by glutamic acid, an amino acid with highly similar properties. This amino acid position is conserved. In addition, this alteration is predicted to be tolerated by in silico analysis. Based on the available evidence, the clinical significance of this variant remains unclear.